The following is an entry in ClinVar:

NM_000617.3(SLC11A2):c.35-498A>C

Gene: SLC11A2 (solute carrier family 11 member 2; minus strand). Cytogenetic location: 12q13.12.
Variant type: single nucleotide variant.
Coding change: c.35-498A>C on transcript NM_000617.3 (MANE Select); 498 bases into the intron before coding-DNA position 35, A replaced by C.
Molecular consequence: intron variant. On other transcripts: missense variant (2), 5 prime UTR variant (2).
Genome position (GRCh38, 1-based): chr12:51,009,122, T>G on the plus strand (A>C on the coding strand, the complement: SLC11A2 is on the minus strand). VCF-style: chr12-51009122-T-G. GRCh37 (hg19) VCF-style: chr12-51402905-T-G.
Other names: c.17A>C, p.Tyr6Ser (NM_001174130.2, NM_001379448.1); c.-129A>C (NM_001414749.1); c.-450A>C (NM_001414750.1); c.122-498A>C (NM_001379446.1, NM_001379455.1, NM_001174125.2); c.4-578A>C (NM_001414747.1, NM_001414748.1); c.35-498A>C (NM_001174127.2, NM_001414744.1, NM_001174126.2 and 5 more transcripts); short protein forms Y6S.
Identifiers: ClinVar variation 1332974 (VCV001332974.6), dbSNP rs445520, ClinGen allele CA6566894.

ClinVar aggregate classification (germline): Benign/Likely benign. Review status: criteria provided, multiple submitters, no conflicts (2 of 4 stars). 4 submissions from 4 submitters: Benign (2); Likely benign (1). 1 of the submissions does not count toward it. Last evaluated 2024-11-27.

Conditions:
SLC11A2-related disorder. Also called: SLC11A2-related condition.
Microcytic anemia with liver iron overload. Also called: Anemia, hypochromic microcytic, with iron overload 1. Identifiers: Orphanet 83642, MedGen C3806153, MONDO:0008787, OMIM 206100.

Allele frequency attached by ClinVar (database versions not stated): 1000 Genomes Project 0.89617; 1000 Genomes Project 30x 0.89756; TOPMed 0.90232; gnomAD 0.90819 and 0.90969; ExAC 0.91919; gnomAD exomes 0.93756.
gnomAD v4.1: 1,409,292 of 1,509,662 alleles (93%); highest among the groups gnomAD compares: East Asian, 98%; 658,727 homozygotes.

Submissions (4):

Blueprint Genetics
Classification: Likely benign. Last evaluated: 2024-11-27. Review status: criteria provided, single submitter. Criteria: ACMG Guidelines, 2015. Collection method: clinical testing. Allele origin: germline.

Genome-Nilou Lab
Classification: Benign for Microcytic anemia with liver iron overload. Last evaluated: 2021-07-15. Review status: criteria provided, single submitter. Criteria: ACMG Guidelines, 2015. Collection method: clinical testing. Allele origin: germline. Affected: no.

Breakthrough Genomics
Classification: Benign. Review status: criteria provided, single submitter. Criteria: ACMG Guidelines, 2015. Collection method: not provided. Allele origin: germline. Inheritance: Autosomal recessive inheritance. Affected: yes.

PreventionGenetics, part of Exact Sciences
Classification: Benign for SLC11A2-related condition. Last evaluated: 2019-06-20. Review status: no assertion criteria provided. Collection method: clinical testing. Allele origin: germline. Not counted in ClinVar's aggregate classification.
Comment: This variant is classified as benign based on ACMG/AMP sequence variant interpretation guidelines (Richards et al. 2015 PMID: 25741868, with internal and published modifications).